The following is an entry in ClinVar:

NM_024675.4(PALB2):c.22C>G (p.Pro8Ala)

Gene: PALB2 (partner and localizer of BRCA2; minus strand). Cytogenetic location: 16p12.2.
Variant type: single nucleotide variant.
Coding change: c.22C>G on transcript NM_024675.4 (MANE Select); coding-DNA position 22, C replaced by G.
Protein change: p.Pro8Ala; replaces proline 8 with alanine.
Molecular consequence: missense variant.
Genome position (GRCh38, 1-based): chr16:23,641,136, G>C on the plus strand (C>G on the coding strand, the complement: PALB2 is on the minus strand). VCF-style: chr16-23641136-G-C. GRCh37 (hg19) VCF-style: chr16-23652457-G-C.
Other names: short protein forms P8A.
Identifiers: ClinVar variation 233707 (VCV000233707.5), dbSNP rs876660586, ClinGen allele CA10580064.

ClinVar aggregate classification (germline): Uncertain significance (1 of 4 stars; one submission).

Conditions:
Hereditary cancer-predisposing syndrome. Also called: Neoplastic Syndromes, Hereditary; Tumor predisposition; Hereditary Cancer Syndrome; Hereditary neoplastic syndrome. Identifiers: Orphanet 140162, MedGen C0027672, MeSH D009386, MONDO:0015356.

gnomAD v4.1: 1 of 1,613,464 alleles (0.000062%); highest among the groups gnomAD compares: East Asian, 0.0022%; no homozygotes.

Submission:

Ambry Genetics
Classification: Uncertain significance for Hereditary cancer-predisposing syndrome. Last evaluated: 2016-05-11. Review status: criteria provided, single submitter. Criteria: Ambry Variant Classification Scheme 2023. Collection method: clinical testing. Allele origin: germline.
Comment: The p.P8A variant (also known as c.22C>G), located in coding exon 1 of the PALB2 gene, results from a C to G substitution at nucleotide position 22. The proline at codon 8 is replaced by alanine, an amino acid with highly similar properties. This variant was not reported in population based cohorts in the following databases: Database of Single Nucleotide Polymorphisms (dbSNP), NHLBI Exome Sequencing Project (ESP), and 1000 Genomes Project. In the ESP, this variant was not observed in 6497 samples (12994 alleles) with coverage at this position. To date, this alteration has been detected with an allele frequency of approximately 0.001% (greater than 225000 alleles tested) in our clinical cohort. This amino acid position is not well conserved in available vertebrate species. In addition, this alteration is predicted to be tolerated by in silico analysis. Since supporting evidence is limited at this time, the clinical significance of p.P8A remains unclear.